The following is an entry in ClinVar:

NM_138393.4(REEP6):c.157G>A (p.Gly53Arg)

Gene: REEP6 (receptor accessory protein 6; plus strand). Cytogenetic location: 19p13.3.
Variant type: single nucleotide variant.
Coding change: c.157G>A on transcript NM_138393.4 (MANE Select); coding-DNA position 157, G replaced by A.
Protein change: p.Gly53Arg; replaces glycine 53 with arginine.
Molecular consequence: missense variant.
Genome position (GRCh38, 1-based): chr19:1,495,335, G>A. VCF-style: chr19-1495335-G-A. GRCh37 (hg19) VCF-style: chr19-1495334-G-A.
Other names: c.157G>A, p.Gly53Arg (NM_001329556.3); short protein forms G53R.
Identifiers: ClinVar variation 964477 (VCV000964477.11), dbSNP rs756089270, ClinGen allele CA9047416.

ClinVar aggregate classification (germline): Uncertain significance. Review status: criteria provided, multiple submitters, no conflicts (2 of 4 stars). 4 submissions from 4 submitters: Uncertain significance (3). 1 of the submissions does not count toward it. Last evaluated 2025-09-02.

Conditions:
Retinal dystrophy. Also called: Inherited retinal dystrophy. Identifiers: Orphanet 71862, MedGen C0854723, MeSH D058499, MONDO:0019118, HP:0000556.

Allele frequency attached by ClinVar (database versions not stated): TOPMed 0.00002; gnomAD exomes 0.00005.
gnomAD v4.1: 73 of 1,613,468 alleles (0.0045%); highest among the groups gnomAD compares: Middle Eastern, 0.016%; 1 homozygote.

Submissions (4):

Labcorp Genetics (formerly Invitae), Labcorp
Classification: Uncertain significance. Last evaluated: 2025-09-02. Review status: criteria provided, single submitter. Criteria: Invitae Variant Classification Sherloc (09022015). Collection method: clinical testing. Allele origin: germline.
Comment: This sequence change replaces glycine, which is neutral and non-polar, with arginine, which is basic and polar, at codon 53 of the REEP6 protein (p.Gly53Arg). This variant is present in population databases (rs756089270, gnomAD 0.009%). This variant has not been reported in the literature in individuals affected with REEP6-related conditions. ClinVar contains an entry for this variant (Variation ID: 964477). Experimental studies and prediction algorithms are not available or were not evaluated, and the functional significance of this variant is currently unknown. In summary, the available evidence is currently insufficient to determine the role of this variant in disease. Therefore, it has been classified as a Variant of Uncertain Significance.

Blueprint Genetics
Classification: Uncertain significance. Last evaluated: 2023-06-13. Review status: criteria provided, single submitter. Criteria: ACMG Guidelines, 2015. Collection method: clinical testing. Allele origin: germline.

Breakthrough Genomics
Classification: Uncertain significance. Review status: criteria provided, single submitter. Criteria: ACMG Guidelines, 2015. Collection method: not provided. Allele origin: germline. Inheritance: Autosomal recessive inheritance. Affected: yes.

Institute of Human Genetics, Univ. Regensburg, Univ. Regensburg
Classification: Uncertain significance for Retinal dystrophy. Last evaluated: 2019-01-01. Review status: no assertion criteria provided. Criteria: ACMG Guidelines, 2015. Collection method: clinical testing. Allele origin: germline. Affected: yes. Not counted in ClinVar's aggregate classification.